The following is an entry in ClinVar:

NM_001109878.2(TBX22):c.356+6G>C

Gene: TBX22 (T-box transcription factor 22). Cytogenetic location: Xq21.1.
Variant type: single nucleotide variant.
Coding change: c.356+6G>C on transcript NM_001109878.2 (MANE Select); 6 bases into the intron after coding-DNA position 356, G replaced by C.
Molecular consequence: intron variant. On other transcripts: 5 prime UTR variant (1).
Genome position (GRCh38, 1-based): chrX:80,023,246, G>C. VCF-style: chrX-80023246-G-C. GRCh37 (hg19) VCF-style: chrX-79278745-G-C.
Other names: c.-62G>C (NM_001303475.1); c.-5+10G>C (NM_001109879.2); c.356+6G>C (NM_016954.2).
Identifiers: ClinVar variation 914123 (VCV000914123.4), dbSNP rs373965779, ClinGen allele CA10461212.

ClinVar aggregate classification (germline): Likely benign (1 of 4 stars; one submission).

Conditions:
Cleft palate with or without ankyloglossia, X-linked. Identifiers: Orphanet 324601, MedGen C1844830, MONDO:0010560, OMIM 303400.

Allele frequency attached by ClinVar (database versions not stated): gnomAD exomes 0.00036; ExAC 0.00045; 1000 Genomes Project 30x 0.00125; 1000 Genomes Project 0.00132; TOPMed 0.00145; ESP Exome Variant Server 0.00151; gnomAD 0.00159 and 0.00171.

Submission:

Illumina Laboratory Services, Illumina
Classification: Likely benign for Cleft palate with or without ankyloglossia, X-linked. Last evaluated: 2018-01-12. Review status: criteria provided, single submitter. Criteria: ICSL Variant Classification Criteria 13 December 2019. Collection method: clinical testing. Allele origin: germline.
Comment: This variant was observed in the ICSL laboratory as part of a predisposition screen in an ostensibly healthy population. It had not been previously curated by ICSL or reported in the Human Gene Mutation Database (HGMD: prior to June 1st, 2018), and was therefore a candidate for classification through an automated scoring system. Utilizing variant allele frequency, disease prevalence and penetrance estimates, and inheritance mode, an automated score was calculated to assess if this variant is too frequent to cause the disease. Based on the score and internal cut-off values, a variant classified as likely benign is not then subjected to further curation. The score for this variant resulted in a classification of likely benign for this disease.